The following is an entry in ClinVar:

NM_032638.5(GATA2):c.1018-3_1031del

Gene: GATA2 (GATA binding protein 2; minus strand). Cytogenetic location: 3q21.3.
Variant type: Deletion.
Coding change: c.1018-3_1031del on transcript NM_032638.5 (MANE Select); 3 bases into the intron before coding-DNA position 1018 through coding-DNA position 1031, 17 bases deleted (CAGTCGGCCGCCAGAAG).
Molecular consequence: splice acceptor variant. On other transcripts: intron variant (1).
Genome position (GRCh38, 1-based): chr3:128,481,931-128,481,947, CTTCTGGCGGCCGACTG deleted on the plus strand (CAGTCGGCCGCCAGAAG on the coding strand, the reverse complement: GATA2 is on the minus strand). VCF-style (leftmost placement, unchanged base first): chr3-128481930-TCTTCTGGCGGCCGACTG-T. GRCh37 (hg19) VCF-style: chr3-128200773-TCTTCTGGCGGCCGACTG-T.
Other names: c.1018-45_1018-29del (NM_001145662.1); c.1018-3_1031del (NM_001145661.2).
Identifiers: ClinVar variation 1184180 (VCV001184180.1), dbSNP rs2107668806, ClinGen allele CA2499216441.
Genomic context (GRCh38, chr3:128,481,930, plus strand): 5'-GGCGTTTCGGCGCCATAAGGTGGTGGTTGTCGTCTGACAATTTGCACAACAGGTGCCGGC[TCTTCTGGCGGCCGACTG>T]GGAGGGCAAGGCAGCGTCAGCAGGCTGGACTCCCACGCCCACCTCGACCCCCCTCCCTGA-3'

ClinVar aggregate classification (germline): Pathogenic (1 of 4 stars; one submission).

Conditions:
Deafness-lymphedema-leukemia syndrome. Also called: Emberger syndrome; Lymphedema, primary, with myelodysplasia. Identifiers: Orphanet 3226, MedGen C3279664, MONDO:0013540, OMIM 614038.
GATA2 deficiency with susceptibility to MDS/AML. Identifiers: MedGen CN300066, MONDO:0042982.

Submission:

Molecular Pathology Research Laboratory, SA Pathology
Classification: Pathogenic for GATA2 deficiency with susceptibility to MDS/AML; Deafness-lymphedema-leukemia syndrome. Last evaluated: 2021-07-06. Review status: criteria provided, single submitter. Criteria: ACMG Guidelines, 2015. Collection method: curation. Allele origin: unknown. Inheritance: Autosomal dominant inheritance. Affected: yes. Observed: 2 variant alleles.
Comment: PVS1, PS4_Moderate, PM2

Literature cited by the submitters: PubMed 24345756; PubMed 21892158.